The following is an entry in ClinVar:

NM_017514.5(PLXNA3):c.2936+10G>A

Gene: PLXNA3 (plexin A3; plus strand). Cytogenetic location: Xq28.
Variant type: single nucleotide variant.
Coding change: c.2936+10G>A on transcript NM_017514.5 (MANE Select); 10 bases into the intron after coding-DNA position 2936, G replaced by A.
Molecular consequence: intron variant.
Genome position (GRCh38, 1-based): chrX:154,466,522, G>A. VCF-style: chrX-154466522-G-A. GRCh37 (hg19) VCF-style: chrX-153694865-G-A.
Identifiers: ClinVar variation 3353288 (VCV003353288.1).

ClinVar aggregate classification (germline): Likely benign (0 of 4 stars; one submission).

Conditions:
PLXNA3-related disorder. Also called: PLXNA3-related condition.

gnomAD v4.1: 6 of 1,202,582 alleles (0.0005%); highest among the groups gnomAD compares: South Asian, 0.0036%; no homozygotes.

Submission:

PreventionGenetics, part of Exact Sciences
Classification: Likely benign for PLXNA3-related condition. Last evaluated: 2022-06-29. Review status: no assertion criteria provided. Collection method: clinical testing. Allele origin: germline.
Comment: This variant is classified as likely benign based on ACMG/AMP sequence variant interpretation guidelines (Richards et al. 2015 PMID: 25741868, with internal and published modifications).